The following is an entry in ClinVar:

NM_014808.4(FARP2):c.1100+8C>T

Gene: FARP2 (FERM, ARH/RhoGEF and pleckstrin domain protein 2; plus strand). Cytogenetic location: 2q37.3.
Variant type: single nucleotide variant.
Coding change: c.1100+8C>T on transcript NM_014808.4 (MANE Select); 8 bases into the intron after coding-DNA position 1100, C replaced by T.
Molecular consequence: intron variant.
Genome position (GRCh38, 1-based): chr2:241,435,038, C>T. VCF-style: chr2-241435038-C-T. GRCh37 (hg19) VCF-style: chr2-242374453-C-T.
Other names: c.1100+8C>T (NM_001282983.2, NM_001282984.2).
Identifiers: ClinVar variation 778059 (VCV000778059.29), dbSNP rs145392931, ClinGen allele CA2218029.
Genomic context (GRCh38, chr2:241,435,038, plus strand): 5'-CAACTAGTAGATTATTTCAAAGACAGTGGAATGAAGAGAATTCCATATGAAAGGTAAGCT[C>T]TGGCCTTTATGATGTAAAGTGTGTGCTTTTAAAATTAAAATTTAAATATATATATGGAGA-3'

ClinVar aggregate classification (germline): Benign/Likely benign. Review status: criteria provided, multiple submitters, no conflicts (2 of 4 stars). 3 submissions from 3 submitters: Benign (2); Likely benign (1). Last evaluated 2023-02-01.

Allele frequency attached by ClinVar (database versions not stated): 1000 Genomes Project 0.00319; ExAC 0.00372; 1000 Genomes Project 30x 0.00406; gnomAD 0.00431 and 0.00436; gnomAD exomes 0.00443 and 0.00478; ESP Exome Variant Server 0.00446; TOPMed 0.00461.
gnomAD v4.1: 7,328 of 1,536,950 alleles (0.48%); highest among the groups gnomAD compares: Middle Eastern, 3%; 39 homozygotes.

Submissions (3):

CeGaT Center for Human Genetics Tuebingen
Classification: Likely benign. Last evaluated: 2023-02-01. Review status: criteria provided, single submitter. Criteria: CeGaT Center For Human Genetics Tuebingen Variant Classification Criteria Version 2. Collection method: clinical testing. Allele origin: germline. Affected: yes. Observed: 3 variant alleles.
Comment: FARP2: BP4, BS2

Labcorp Genetics (formerly Invitae), Labcorp
Classification: Benign. Last evaluated: 2019-12-31. Review status: criteria provided, single submitter. Criteria: Invitae Variant Classification Sherloc (09022015). Collection method: clinical testing. Allele origin: germline.

Breakthrough Genomics
Classification: Benign. Review status: criteria provided, single submitter. Criteria: ACMG Guidelines, 2015. Collection method: not provided. Allele origin: germline. Inheritance: Unknown mechanism. Affected: yes.